The following is an entry in ClinVar:

NM_019066.5(MAGEL2):c.891G>C (p.Pro297=)

Gene: MAGEL2 (MAGE family member L2; minus strand). Cytogenetic location: 15q11.2.
Variant type: single nucleotide variant.
Coding change: c.891G>C on transcript NM_019066.5 (MANE Select); coding-DNA position 891, G replaced by C.
Protein change: p.Pro297=; no amino-acid change (proline 297 retained).
Molecular consequence: synonymous variant.
Genome position (GRCh38, 1-based): chr15:23,646,852, C>G on the plus strand (G>C on the coding strand, the complement: MAGEL2 is on the minus strand). VCF-style: chr15-23646852-C-G. GRCh37 (hg19) VCF-style: chr15-23891999-C-G.
Identifiers: ClinVar variation 3608968 (VCV003608968.12).

ClinVar aggregate classification (germline): Likely benign. Review status: criteria provided, multiple submitters, no conflicts (2 of 4 stars). 2 submissions from 2 submitters: Likely benign (2). Last evaluated 2025-05-01.

Submissions (2):

CeGaT Center for Human Genetics Tuebingen
Classification: Likely benign. Last evaluated: 2025-05-01. Review status: criteria provided, single submitter. Criteria: CeGaT Center For Human Genetics Tuebingen Variant Classification Criteria Version 2. Collection method: clinical testing. Allele origin: germline. Affected: yes. Observed: 1 variant allele.
Comment: MAGEL2: BP4, BP7

Labcorp Genetics (formerly Invitae), Labcorp
Classification: Likely benign. Last evaluated: 2024-04-25. Review status: criteria provided, single submitter. Criteria: Invitae Variant Classification Sherloc (09022015). Collection method: clinical testing. Allele origin: germline.